The following is an entry in ClinVar:

ClinVar aggregate classification (germline): Benign. Review status: criteria provided, multiple submitters, no conflicts (2 of 4 stars). 9 submissions from 9 submitters: Benign (8). 1 of the submissions does not count toward it. Last evaluated 2026-02-04.

Conditions:
Hereditary cancer-predisposing syndrome. Also called: Tumor predisposition; Hereditary neoplastic syndrome; Neoplastic Syndromes, Hereditary; Hereditary Cancer Syndrome. Identifiers: Orphanet 140162, MedGen C0027672, MeSH D009386, MONDO:0015356.
Colorectal cancer, susceptibility to, 12 (CRCS12). Also called: COLORECTAL CANCER, SUSCEPTIBILITY TO, ON CHROMOSOME 12q24. Identifiers: Orphanet 220460, MedGen C3554460, MONDO:0014038, OMIM 615083.
Polymerase proofreading-related adenomatous polyposis. Also called: Polymerase proofreading associated polyposis; Polymerase proofreading–associated polyposis (PPAP). Identifiers: Orphanet 447877, MedGen C5202613, MONDO:0018653.

Allele frequency attached by ClinVar (database versions not stated): gnomAD exomes 0.01753; ExAC 0.02184; gnomAD 0.06578 and 0.07057; 1000 Genomes Project 0.06949; TOPMed 0.07429; ESP Exome Variant Server 0.07704; 1000 Genomes Project 30x 0.07745.
gnomAD v4.1: 20,064 of 1,608,352 alleles (1.2%); highest among the groups gnomAD compares: African/African-American, 23%; 2,061 homozygotes.

Submissions (9):

Labcorp Genetics (formerly Invitae), Labcorp
Classification: Benign. Last evaluated: 2026-02-04. Review status: criteria provided, single submitter. Criteria: Invitae Variant Classification Sherloc (09022015). Collection method: clinical testing. Allele origin: germline.

Center for Genomic Medicine, Rigshospitalet, Copenhagen University Hospital
Classification: Benign. Last evaluated: 2025-03-04. Review status: criteria provided, single submitter. Criteria: ACMG Guidelines, 2015. Collection method: clinical testing. Allele origin: germline.

KCCC/NGS Laboratory, Kuwait Cancer Control Center
Classification: Benign for Colorectal cancer, susceptibility to, 12. Last evaluated: 2023-07-07. Review status: criteria provided, single submitter. Criteria: ACMG Guidelines, 2015. Collection method: clinical testing. Allele origin: germline. Affected: yes.

PreventionGenetics, part of Exact Sciences
Classification: Benign. Last evaluated: 2016-11-09. Review status: criteria provided, single submitter. Criteria: ACMG Guidelines, 2015. Collection method: clinical testing. Allele origin: germline.

Women's Health and Genetics/Laboratory Corporation of America, LabCorp
Classification: Benign. Last evaluated: 2016-05-24. Review status: criteria provided, single submitter. Criteria: LabCorp Variant Classification Summary - May 2015. Collection method: clinical testing. Allele origin: germline.
Comment: Variant summary: c.2469-15G>A in POLE gene is an intronic change that involves a non-conserved nucleotide. 5/5 programs in Alamut predict that this variant does not have a major effect normal on splicing, however no functional studies supporting this notion were published at the time of evaluation. The variant is present in the control population dataset of ExAC at frequency of 0.022 (2623/120098 chrs tested), predominantly in individuals of African descent 0.237 (2429/10264 chrs tested), including numerous homozygous occurrences. The observed frequency greatly exceeds the maximum expected allele frequency for a pathogenic variant of 0.00001%, suggesting that it is a benign polymorphism. Taking together, based on the prevalence of this variant in general population the variant was classified as Benign.

GeneDx
Classification: Benign. Last evaluated: 2015-11-11. Review status: criteria provided, single submitter. Criteria: GeneDx Variant Classification (06012015). Collection method: clinical testing. Allele origin: germline. Affected: yes.
Comment: This variant is considered likely benign or benign based on one or more of the following criteria: it is a conservative change, it occurs at a poorly conserved position in the protein, it is predicted to be benign by multiple in silico algorithms, and/or has population frequency not consistent with disease.

Ambry Genetics
Classification: Benign for Hereditary cancer-predisposing syndrome. Last evaluated: 2015-05-19. Review status: criteria provided, single submitter. Criteria: Ambry Variant Classification Scheme 2023. Collection method: clinical testing. Allele origin: germline.

Breakthrough Genomics
Classification: Benign. Review status: criteria provided, single submitter. Criteria: ACMG Guidelines, 2015. Collection method: not provided. Allele origin: germline. Inheritance: Autosomal recessive inheritance. Affected: yes.

Department of Pathology and Laboratory Medicine, Sinai Health System
Classification: Benign for Polymerase proofreading-related adenomatous polyposis. Review status: no assertion criteria provided. Collection method: clinical testing. Allele origin: unknown. Affected: yes. Study: The Canadian Open Genetics Repository (COGR). Not counted in ClinVar's aggregate classification.
Comment: The POLE c.2469-15G>A variant was not identified in the literature. The variant was identified in dbSNP (ID: rs5744833) as "With Benign alleleâ€šÃ„Ã¹ and ClinVar (classified as benign by GeneDx and Integrated Genetics/Laboratory Corporation of America). The variant was identified in control databases in 6160 of 276308 chromosomes (636 homozygous) at a frequency of 0.02, increasing the likelihood this could be a low frequency benign variant (Genome Aggregation Database Feb 27, 2017). The variant was observed in the following populations: African in 5539 of 23994 chromosomes (freq: 0.23), Other in 64 of 6450 chromosomes (freq: 0.01), Latino in 406 of 34410 chromosomes (freq: 0.01), European in 134 of 126316 chromosomes (freq: 0.001), Ashkenazi Jewish in 9 of 10138 chromosomes (freq: 0.0008), and South Asian in 8 of 30770 chromosomes (freq: 0.0003); it was not observed in the East Asian or Finnish populations. The variant occurs outside of the splicing consensus sequence and in silico or computational prediction software programs (SpliceSiteFinder, MaxEntScan, NNSPLICE, GeneSplicer) do not predict a difference in splicing. In summary, based on the above information this variant meets our laboratory's criteria to be classified as benign.

NM_006231.4(POLE):c.2469-15G>A

Gene: POLE (DNA polymerase epsilon, catalytic subunit; minus strand). Cytogenetic location: 12q24.33.
Variant type: single nucleotide variant.
Coding change: c.2469-15G>A on transcript NM_006231.4 (MANE Select); 15 bases into the intron before coding-DNA position 2469, G replaced by A.
Molecular consequence: intron variant.
Genome position (GRCh38, 1-based): chr12:132,664,477, C>T on the plus strand (G>A on the coding strand, the complement: POLE is on the minus strand). VCF-style: chr12-132664477-C-T. GRCh37 (hg19) VCF-style: chr12-133241063-C-T.
Identifiers: ClinVar variation 380223 (VCV000380223.21), dbSNP rs5744833, ClinGen allele CA6893532.